The following is an entry in ClinVar:

NM_032608.7(MYO18B):c.2396C>T (p.Ala799Val)

Gene: MYO18B (myosin XVIIIB; plus strand). Cytogenetic location: 22q12.1.
Variant type: single nucleotide variant.
Coding change: c.2396C>T on transcript NM_032608.7 (MANE Select); coding-DNA position 2396, C replaced by T.
Protein change: p.Ala799Val; replaces alanine 799 with valine.
Molecular consequence: missense variant.
Genome position (GRCh38, 1-based): chr22:25,797,972, C>T. VCF-style: chr22-25797972-C-T. GRCh37 (hg19) VCF-style: chr22-26193939-C-T.
Other names: c.2396C>T (NM_032608.5, NM_032608.6); c.2396C>T, p.Ala799Val (NM_001318245.2); short protein forms A799V.
Identifiers: ClinVar variation 2148872 (VCV002148872.7), dbSNP rs200926549, ClinGen allele CA10160157.

ClinVar aggregate classification (germline): Uncertain significance. Review status: criteria provided, multiple submitters, no conflicts (2 of 4 stars). 4 submissions from 4 submitters: Uncertain significance (4). Last evaluated 2026-08-26.

Conditions:
MYO18B-related disorder. Also called: MYO18B-related condition.
Inborn genetic diseases. Identifiers: MedGen C0950123, MeSH D030342.
Klippel-Feil anomaly-myopathy-facial dysmorphism syndrome. Also called: Klippel-Feil syndrome 4, autosomal recessive, with myopathy and facial dysmorphism; Klippel-feil syndrome 4, autosomal recessive, with nemaline myopathy and facial dysmorphism. Identifiers: Orphanet 447974, MedGen C4225285, MONDO:0014689, OMIM 616549.

Allele frequency attached by ClinVar (database versions not stated): ExAC 0.00008; TOPMed 0.00009; gnomAD 0.00013; 1000 Genomes Project 30x 0.00016; ESP Exome Variant Server 0.00016; 1000 Genomes Project 0.00020.
gnomAD v4.1: 192 of 1,614,018 alleles (0.012%); highest among the groups gnomAD compares: Non-Finnish European, 0.014%; no homozygotes.

Submissions (4):

PreventionGenetics, part of Exact Sciences
Classification: Uncertain significance for MYO18B-related condition. Last evaluated: 2026-08-26. Review status: criteria provided, single submitter. Criteria: ACMG Guidelines, 2015. Collection method: clinical testing. Allele origin: germline.
Comment: The MYO18B c.2396C>T variant is predicted to result in the amino acid substitution p.Ala799Val. To our knowledge, this variant has not been reported in the literature. This variant is reported in 0.012% of alleles in individuals of European (Finnish) descent in gnomAD. At this time, the clinical significance of this variant is uncertain due to the absence of conclusive functional and genetic evidence.

Ambry Genetics
Classification: Uncertain significance for Inborn genetic diseases. Last evaluated: 2025-07-12. Review status: criteria provided, single submitter. Criteria: Ambry Variant Classification Scheme 2023. Collection method: clinical testing. Allele origin: germline.

Labcorp Genetics (formerly Invitae), Labcorp
Classification: Uncertain significance. Last evaluated: 2024-12-30. Review status: criteria provided, single submitter. Criteria: Invitae Variant Classification Sherloc (09022015). Collection method: clinical testing. Allele origin: germline.
Comment: This sequence change replaces alanine, which is neutral and non-polar, with valine, which is neutral and non-polar, at codon 799 of the MYO18B protein (p.Ala799Val). This variant is present in population databases (rs200926549, gnomAD 0.01%). This variant has not been reported in the literature in individuals affected with MYO18B-related conditions. ClinVar contains an entry for this variant (Variation ID: 2148872). An algorithm developed to predict the effect of missense changes on protein structure and function (PolyPhen-2) suggests that this variant is likely to be disruptive. In summary, the available evidence is currently insufficient to determine the role of this variant in disease. Therefore, it has been classified as a Variant of Uncertain Significance.

Revvity Omics, Revvity
Classification: Uncertain significance for Klippel-Feil anomaly-myopathy-facial dysmorphism syndrome. Last evaluated: 2023-07-14. Review status: criteria provided, single submitter. Criteria: ACMG Guidelines, 2015. Collection method: clinical testing. Allele origin: germline.